The following is an entry in ClinVar:

ClinVar aggregate classification (germline): Likely pathogenic. Review status: criteria provided, multiple submitters, no conflicts (2 of 4 stars). 3 submissions from 3 submitters: Likely pathogenic (2). 1 of the submissions does not count toward it. Last evaluated 2025-05-19.

Conditions:
Triokinase and FMN cyclase deficiency syndrome. Identifiers: MedGen C5394125, MONDO:0032927, OMIM 618805.
TKFC deficiency.
Inborn errors of metabolism. Also called: Inborn error of metabolism. Identifiers: Orphanet 68367, MedGen C0025521, MONDO:0019052.

Allele frequency attached by ClinVar (database versions not stated): gnomAD 0.00001 and below 0.00001; ExAC 0.00003; 1000 Genomes Project 0.00020; gnomAD exomes 0.00002; 1000 Genomes Project 30x 0.00016.
gnomAD v4.1: 22 of 1,612,616 alleles (0.0014%); highest among the groups gnomAD compares: South Asian, 0.023%; no homozygotes.

Submissions (3):

First Genomix Gene Laboratory, Genetic Diagnostics Department
Classification: Likely pathogenic for Triokinase and FMN cyclase deficiency syndrome. Last evaluated: 2025-05-19. Review status: criteria provided, single submitter. Criteria: ACMG Guidelines, 2015. Collection method: clinical testing. Allele origin: germline. Inheritance: Autosomal recessive inheritance. Affected: no. Observed: 1 variant allele.

Translational Omics Lab  at Great Ormond Street Institute of Child Health, University College London
Classification: Likely pathogenic for Inborn error of metabolism; TKFC deficiency. Last evaluated: 2020-01-02. Review status: criteria provided, single submitter. Criteria: ACMG Guidelines, 2015. Collection method: clinical testing, research. Allele origin: inherited, not applicable. Inheritance: Autosomal recessive inheritance. Affected: yes. Observed: 2 variant alleles, 2 homozygotes. Clinical features observed: Developmental cataract (HP:0000519), Global developmental delay (HP:0001263), Decreased liver function (HP:0001410), Primary dilated cardiomyopathy (HP:0001644).
Comment: This NM_015533.3, c.1628G>T; p.Arg543Ile was observed in two affected individuals in one family as a homozygous variant. This variant affects a highly conserved residue and is present at very low frequency in large population databases, but not observed as a homozygous variant. It is predicted damaging by multiple in silico programs, and functional assays supports its deleterious effect on protein function (this p.Arg543Ile mutant human protein abolishes protein activity of TKFC in both E.coli and Yeast assays, and reduced protein content in patient skin fibroblasts). This variant meets the classification criteria of likely pathogenic: absent from controls, highly conserved, segregates with the phenotype, supportive functional assays.

OMIM
Classification: Pathogenic for TRIOKINASE AND FMN CYCLASE DEFICIENCY SYNDROME. Last evaluated: 2020-10-20. Review status: no assertion criteria provided. Collection method: literature only. Allele origin: germline. Not counted in ClinVar's aggregate classification.

Literature cited by the submitters: PubMed 32004446 (cited by OMIM).

NM_015533.4(TKFC):c.1628G>T (p.Arg543Ile)

Gene: TKFC (triokinase and FMN cyclase; plus strand). Cytogenetic location: 11q12.2.
Variant type: single nucleotide variant.
Coding change: c.1628G>T on transcript NM_015533.4 (MANE Select); coding-DNA position 1628, G replaced by T.
Protein change: p.Arg543Ile; replaces arginine 543 with isoleucine.
Molecular consequence: missense variant. On other transcripts: 3 prime UTR variant (2), intron variant (2).
Genome position (GRCh38, 1-based): chr11:61,346,403, G>T. VCF-style: chr11-61346403-G-T. GRCh37 (hg19) VCF-style: chr11-61113875-G-T.
Other names: TKFC, ARG543ILE (rs547013163); c.1628G>T, p.Arg543Ile (NM_001351976.2); c.*79G>T (NM_001351979.2, NM_001351980.2); c.1575+457G>T (NM_001351978.2, NM_001351977.2); short protein forms R543I.
Identifiers: ClinVar variation 816699 (VCV000816699.8), dbSNP rs547013163, ClinGen allele CA6034203.